The following is an entry in ClinVar:

ClinVar aggregate classification (germline): Uncertain significance (1 of 4 stars; one submission).

Conditions:
Neurodevelopmental disorder with dysmorphic facies and distal limb anomalies. Identifiers: Orphanet 686482, MedGen C4540327, MONDO:0060596, OMIM 617755.

Submission:

Victorian Clinical Genetics Services, Murdoch Childrens Research Institute
Classification: Uncertain significance for Neurodevelopmental disorder with dysmorphic facies and distal limb anomalies. Last evaluated: 2023-12-21. Review status: criteria provided, single submitter. Criteria: ACMG Guidelines, 2015. Collection method: clinical testing. Allele origin: germline. Inheritance: Autosomal dominant inheritance. Affected: yes.
Comment: Based on the classification scheme VCGS_Germline_v1.3.4, this variant is classified as VUS-3B. Following criteria are met: 0102 - Loss of function is a known mechanism of disease in this gene and is associated with neurodevelopmental disorder with dysmorphic facies and distal limb anomalies (MIM#617755). (I) 0107 - This gene is associated with autosomal dominant disease. (I) 0200 - Variant is predicted to result in a missense amino acid change from phenylalanine to leucine. (I) 0251 - This variant is heterozygous. (I) 0302 - Variant is present in gnomAD (v2, v3) <0.001 for a dominant condition (2 heterozygotes, 0 homozygotes). However, one heterozygote has poor quality. (SP) 0502 - Missense variant with conflicting in silico predictions and uninformative conservation. (I) 0604 - Variant is not located in an established domain, motif, hotspot or informative constraint region. (I) 0705 - No comparable missense variants have previous evidence for pathogenicity. (I) 0807 - This variant has no previous evidence of pathogenicity. (I) 0905 - No published segregation evidence has been identified for this variant. (I) 1007 - No published functional evidence has been identified for this variant. (I) 1208 - Inheritance information for this variant is not currently available in this individual. (I) Legend: (SP) - Supporting pathogenic, (I) - Information, (SB) - Supporting benign

NM_182641.4(BPTF):c.5934C>G (p.Phe1978Leu)

Gene: BPTF (bromodomain PHD finger transcription factor; plus strand). Cytogenetic location: 17q24.2.
Variant type: single nucleotide variant.
Coding change: c.5934C>G on transcript NM_182641.4 (MANE Select); coding-DNA position 5934, C replaced by G.
Protein change: p.Phe1978Leu; replaces phenylalanine 1978 with leucine.
Molecular consequence: missense variant.
Genome position (GRCh38, 1-based): chr17:67,928,537, C>G. VCF-style: chr17-67928537-C-G. GRCh37 (hg19) VCF-style: chr17-65924653-C-G.
Other names: c.6312C>G, p.Phe2104Leu (NM_004459.7); short protein forms F1978L, F2104L.
Identifiers: ClinVar variation 3254645 (VCV003254645.1), dbSNP rs2511979912.